The following is an entry in ClinVar:

NM_002775.5(HTRA1):c.753C>T (p.Ile251=)

Gene: HTRA1 (HtrA serine peptidase 1; plus strand). Cytogenetic location: 10q26.13.
Variant type: single nucleotide variant.
Coding change: c.753C>T on transcript NM_002775.5 (MANE Select); coding-DNA position 753, C replaced by T.
Protein change: p.Ile251=; no amino-acid change (isoleucine 251 retained).
Molecular consequence: synonymous variant.
Genome position (GRCh38, 1-based): chr10:122,489,602, C>T. VCF-style: chr10-122489602-C-T. GRCh37 (hg19) VCF-style: chr10-124249118-C-T.
Other names: p.Ile251=.
Identifiers: ClinVar variation 100572 (VCV000100572.19), dbSNP rs17624021, ClinGen allele CA228902.

ClinVar aggregate classification (germline): Benign/Likely benign. Review status: criteria provided, multiple submitters, no conflicts (2 of 4 stars). 10 submissions from 10 submitters: Benign (6); Likely benign (1). 3 of the submissions do not count toward it. Last evaluated 2026-02-03.

Conditions:
Macular degeneration. Also called: Degenerative disorder of macula. Identifiers: MedGen C0024437, MONDO:0003004, HP:0000608.

Allele frequency attached by ClinVar (database versions not stated): 1000 Genomes Project 0.02316; 1000 Genomes Project 30x 0.02389; TOPMed 0.03609; gnomAD 0.04081 and 0.04155; gnomAD exomes 0.04120 and 0.05090; ExAC 0.04190; ESP Exome Variant Server 0.04283.
gnomAD v4.1: 80,222 of 1,613,730 alleles (5%); highest among the groups gnomAD compares: Non-Finnish European, 5.5%; 2,256 homozygotes.

Submissions (10):

Labcorp Genetics (formerly Invitae), Labcorp
Classification: Benign. Last evaluated: 2026-02-03. Review status: criteria provided, single submitter. Criteria: Invitae Variant Classification Sherloc (09022015). Collection method: clinical testing. Allele origin: germline.

Blueprint Genetics
Classification: Likely benign. Last evaluated: 2024-11-27. Review status: criteria provided, single submitter. Criteria: ACMG Guidelines, 2015. Collection method: clinical testing. Allele origin: germline.

Mayo Clinic Laboratories, Mayo Clinic
Classification: Benign. Last evaluated: 2022-04-26. Review status: criteria provided, single submitter. Criteria: ACMG Guidelines, 2015. Collection method: clinical testing. Allele origin: germline. Observed: 48 variant alleles.

GeneDx
Classification: Benign. Last evaluated: 2021-05-04. Review status: criteria provided, single submitter. Criteria: GeneDx Variant Classification Process June 2021. Collection method: clinical testing. Allele origin: germline. Affected: yes.

Illumina Laboratory Services, Illumina
Classification: Benign for Macular degeneration. Last evaluated: 2018-01-12. Review status: criteria provided, single submitter. Criteria: ICSL Variant Classification Criteria 13 December 2019. Collection method: clinical testing. Allele origin: germline.
Comment: This variant was observed in the ICSL laboratory as part of a predisposition screen in an ostensibly healthy population. It had not been previously curated by ICSL or reported in the Human Gene Mutation Database (HGMD: prior to June 1st, 2018), and was therefore a candidate for classification through an automated scoring system. Utilizing variant allele frequency, disease prevalence and penetrance estimates, and inheritance mode, an automated score was calculated to assess if this variant is too frequent to cause the disease. Based on the score and internal cut-off values, a variant classified as benign is not then subjected to further curation. The score for this variant resulted in a classification of benign for this disease.

Athena Diagnostics
Classification: Benign. Last evaluated: 2017-11-20. Review status: criteria provided, single submitter. Criteria: Athena Diagnostics Criteria. Collection method: clinical testing. Allele origin: germline.

Breakthrough Genomics
Classification: Benign. Review status: criteria provided, single submitter. Criteria: ACMG Guidelines, 2015. Collection method: not provided. Allele origin: germline. Inheritance: Autosomal recessive inheritance. Affected: yes.

Genome Diagnostics Laboratory, Amsterdam University Medical Center
Classification: Benign. Review status: no assertion criteria provided. Collection method: clinical testing. Allele origin: germline. Affected: yes. Study: VKGL Data-share Consensus. Not counted in ClinVar's aggregate classification.

Laboratory of Diagnostic Genome Analysis, Leiden University Medical Center (LUMC)
Classification: Likely benign. Review status: no assertion criteria provided. Collection method: clinical testing. Allele origin: germline. Affected: yes. Study: VKGL Data-share Consensus. Not counted in ClinVar's aggregate classification.

NEI Ophthalmic Genomics Laboratory, National Institutes of Health
No classification provided. Review status: no classification provided. Collection method: not provided. Allele origin: not provided. Not counted in ClinVar's aggregate classification.